The following is an entry in ClinVar:

NM_004186.5(SEMA3F):c.872C>T (p.Ala291Val)

Gene: SEMA3F (semaphorin 3F; plus strand). Cytogenetic location: 3p21.31.
Variant type: single nucleotide variant.
Coding change: c.872C>T on transcript NM_004186.5 (MANE Select); coding-DNA position 872, C replaced by T.
Protein change: p.Ala291Val; replaces alanine 291 with valine.
Molecular consequence: missense variant.
Genome position (GRCh38, 1-based): chr3:50,182,752, C>T. VCF-style: chr3-50182752-C-T. GRCh37 (hg19) VCF-style: chr3-50220185-C-T.
Other names: c.575C>T, p.Ala192Val (NM_001318798.2); c.779C>T, p.Ala260Val (NM_001318800.2); short protein forms A192V, A260V, A291V.
Identifiers: ClinVar variation 3351760 (VCV003351760.1).

ClinVar aggregate classification (germline): Uncertain significance (0 of 4 stars; one submission).

Conditions:
SEMA3F-related disorder. Also called: SEMA3F-related condition.

gnomAD v4.1: 14 of 1,613,208 alleles (0.00087%); highest among the groups gnomAD compares: African/African-American, 0.0053%; no homozygotes.

Submission:

PreventionGenetics, part of Exact Sciences
Classification: Uncertain significance for SEMA3F-related condition. Last evaluated: 2024-08-05. Review status: no assertion criteria provided. Collection method: clinical testing. Allele origin: germline.
Comment: The SEMA3F c.872C>T variant is predicted to result in the amino acid substitution p.Ala291Val. To our knowledge, this variant has not been reported in the literature. This variant is reported in 0.012% of alleles in individuals of African descent in gnomAD. At this time, the clinical significance of this variant is uncertain due to the absence of conclusive functional and genetic evidence.